The following is an entry in ClinVar:

NM_001848.3(COL6A1):c.2793G>A (p.Ser931=)

Gene: COL6A1 (collagen type VI alpha 1 chain; plus strand). Cytogenetic location: 21q22.3.
Variant type: single nucleotide variant.
Coding change: c.2793G>A on transcript NM_001848.3 (MANE Select); coding-DNA position 2793, G replaced by A.
Protein change: p.Ser931=; no amino-acid change (serine 931 retained).
Molecular consequence: synonymous variant.
Genome position (GRCh38, 1-based): chr21:46,003,719, G>A. VCF-style: chr21-46003719-G-A. GRCh37 (hg19) VCF-style: chr21-47423633-G-A.
Identifiers: ClinVar variation 290286 (VCV000290286.17), dbSNP rs148561616, ClinGen allele CA10071034.

ClinVar aggregate classification (germline): Conflicting classifications of pathogenicity. Review status: criteria provided, conflicting classifications (1 of 4 stars). 3 submissions from 3 submitters: Uncertain significance (1); Benign (1); Likely benign (1). Last evaluated 2025-01-06.

Conditions:
Collagen 6-related myopathy. Identifiers: MedGen CN117976, MONDO:0100225.
Bethlem myopathy 1A. Also called: Bethlem Muscular Dystrophy; MYOPATHY, BENIGN CONGENITAL, WITH CONTRACTURES; Bethlem myopathy 1. Identifiers: Orphanet 610, MedGen CN029274, MONDO:0024530, OMIM 158810.

Allele frequency attached by ClinVar (database versions not stated): ExAC 0.00006; gnomAD exomes 0.00006; TOPMed 0.00011; gnomAD 0.00012 and 0.00013; 1000 Genomes Project 30x 0.00016; 1000 Genomes Project 0.00020; ESP Exome Variant Server 0.00023.
gnomAD v4.1: 74 of 1,613,002 alleles (0.0046%); highest among the groups gnomAD compares: African/African-American, 0.027%; no homozygotes.

Submissions (3):

Labcorp Genetics (formerly Invitae), Labcorp
Classification: Likely benign for Bethlem myopathy 1A. Last evaluated: 2025-01-06. Review status: criteria provided, single submitter. Criteria: Invitae Variant Classification Sherloc (09022015). Collection method: clinical testing. Allele origin: germline.

Illumina Laboratory Services, Illumina
Classification: Benign for Collagen VI-related myopathy. Last evaluated: 2018-01-13. Review status: criteria provided, single submitter. Criteria: ICSL Variant Classification Criteria 13 December 2019. Collection method: clinical testing. Allele origin: germline.
Comment: This variant was observed in the ICSL laboratory as part of a predisposition screen in an ostensibly healthy population. It had not been previously curated by ICSL or reported in the Human Gene Mutation Database (HGMD: prior to June 1st, 2018), and was therefore a candidate for classification through an automated scoring system. Utilizing variant allele frequency, disease prevalence and penetrance estimates, and inheritance mode, an automated score was calculated to assess if this variant is too frequent to cause the disease. Based on the score and internal cut-off values, a variant classified as benign is not then subjected to further curation. The score for this variant resulted in a classification of benign for this disease.

Eurofins Ntd Llc (ga)
Classification: Uncertain significance. Last evaluated: 2016-08-11. Review status: criteria provided, single submitter. Criteria: EGL Classification Definitions 2015. Collection method: clinical testing. Allele origin: germline. Observed: 1 variant allele, 1 heterozygote.